The following is an entry in ClinVar:

NM_000419.5(ITGA2B):c.432G>A (p.Trp144Ter)

Gene: ITGA2B (integrin subunit alpha 2b; minus strand). Cytogenetic location: 17q21.31.
Variant type: single nucleotide variant.
Coding change: c.432G>A on transcript NM_000419.5 (MANE Select); coding-DNA position 432, G replaced by A.
Protein change: p.Trp144Ter; replaces tryptophan 144 with a stop codon.
Molecular consequence: nonsense.
Genome position (GRCh38, 1-based): chr17:44,385,693, C>T on the plus strand (G>A on the coding strand, the complement: ITGA2B is on the minus strand). VCF-style: chr17-44385693-C-T. GRCh37 (hg19) VCF-style: chr17-42463061-C-T.
Other names: NM_000419.5:c.432G>A; short protein forms W144*.
Identifiers: ClinVar variation 1330330 (VCV001330330.1), dbSNP rs2143489377, ClinGen allele CA399805999.

ClinVar aggregate classification (germline): Pathogenic (3 of 4 stars; one submission).

Conditions:
Glanzmann thrombasthenia. Also called: THROMBASTHENIA OF GLANZMANN AND NAEGELI; BLEEDING DISORDER, PLATELET-TYPE, 2; Thrombasthenia; PLATELET GLYCOPROTEIN IIb-IIIa DEFICIENCY; Glanzmann's thrombasthenia. Identifiers: Orphanet 849, MedGen C0040015, MONDO:0100326.

Allele frequency attached by ClinVar (database versions not stated): gnomAD exomes below 0.00001.
gnomAD v4.1: 1 of 1,613,682 alleles (0.000062%); highest among the groups gnomAD compares: East Asian, 0.0022%; no homozygotes.

Submission:

ClinGen Platelet Disorders Variant Curation Expert Panel, ClinGen
Classification: Pathogenic for Glanzmann thrombasthenia. Last evaluated: 2021-06-30. Review status: reviewed by expert panel. Criteria: ClinGen Platelet ACMG Specifications v2. Collection method: curation. Allele origin: germline. Inheritance: Autosomal recessive inheritance.
Comment: The NM_000419.5(ITGA2B):c.432G>A (p.Trp144Ter) nonsense variant creates a premature stop codon in exon 4/30 leading to nonsense mediated decay in a gene in which loss-of-function is an established disease mechanism (PVS1). . At least two probands has been reported with this variant, including GT34 of PMID: 29675921 who meets the criteria for PP4_strong. A second patient in PMID: 30138987 is homozygous for Trp144Ter (PM3_supporting). This variant is absent from gnomAD v2.1.1 (PM2_Supporting). In summary, this variant meets the criteria to be classified as Pathogenic for autosomal recessive Glanzmann Thrombasthenia based on the ACMG/AMP criteria applied, as specified by the ClinGen PD VCEP: PVS1, PM2_supporting, PM3_supporting, PP4_strong. (VCEP specifications version 2; date of approval xx/xx/xxxx)